The following is an entry in ClinVar:

ClinVar aggregate classification (germline): Uncertain significance. Review status: criteria provided, multiple submitters, no conflicts (2 of 4 stars). 2 submissions from 2 submitters: Uncertain significance (2). Last evaluated 2024-03-12.

Conditions:
ALG8 congenital disorder of glycosylation. Also called: ALG8-CDG; CDG Ih; CONGENITAL DISORDER OF GLYCOSYLATION, TYPE Ih. Identifiers: Orphanet 79325, MedGen C2931002, MONDO:0011969, OMIM 608104.
Polycystic liver disease 3 with or without kidney cysts. Identifiers: MedGen C4693472, MONDO:0054743, OMIM 617874.

Allele frequency attached by ClinVar (database versions not stated): TOPMed 0.00001.

Submissions (2):

Labcorp Genetics (formerly Invitae), Labcorp
Classification: Uncertain significance for ALG8 congenital disorder of glycosylation. Last evaluated: 2024-03-12. Review status: criteria provided, single submitter. Criteria: Invitae Variant Classification Sherloc (09022015). Collection method: clinical testing. Allele origin: germline.
Comment: This sequence change replaces isoleucine, which is neutral and non-polar, with threonine, which is neutral and polar, at codon 343 of the ALG8 protein (p.Ile343Thr). This variant is not present in population databases (gnomAD no frequency). This variant has not been reported in the literature in individuals affected with ALG8-related conditions. Advanced modeling of protein sequence and biophysical properties (such as structural, functional, and spatial information, amino acid conservation, physicochemical variation, residue mobility, and thermodynamic stability) performed at Invitae indicates that this missense variant is not expected to disrupt ALG8 protein function with a negative predictive value of 80%. In summary, the available evidence is currently insufficient to determine the role of this variant in disease. Therefore, it has been classified as a Variant of Uncertain Significance.

Fulgent Genetics
Classification: Uncertain significance for ALG8 congenital disorder of glycosylation; Polycystic liver disease 3 with or without kidney cysts. Last evaluated: 2024-01-02. Review status: criteria provided, single submitter. Criteria: ACMG Guidelines, 2015. Collection method: clinical testing. Allele origin: germline.

NM_024079.5(ALG8):c.1028T>C (p.Ile343Thr)

Gene: ALG8 (ALG8 alpha-1,3-glucosyltransferase; minus strand). Cytogenetic location: 11q14.1.
Variant type: single nucleotide variant.
Coding change: c.1028T>C on transcript NM_024079.5 (MANE Select); coding-DNA position 1028, T replaced by C.
Protein change: p.Ile343Thr; replaces isoleucine 343 with threonine.
Molecular consequence: missense variant. On other transcripts: synonymous variant (1).
Genome position (GRCh38, 1-based): chr11:78,109,452, A>G on the plus strand (T>C on the coding strand, the complement: ALG8 is on the minus strand). VCF-style: chr11-78109452-A-G. GRCh37 (hg19) VCF-style: chr11-77820498-A-G.
Other names: c.1028T>C, p.Ile343Thr (NM_001007027.3, NM_001425222.1, NM_001425225.1 and 4 more transcripts); c.1031T>C, p.Ile344Thr (NM_001425219.1); c.1013T>C, p.Ile338Thr (NM_001425220.1); c.987T>C, p.Asp329= (NM_001425221.1); c.1022T>C, p.Ile341Thr (NM_001425223.1); c.1121T>C, p.Ile374Thr (NM_001425224.1); c.875T>C, p.Ile292Thr (NM_001425226.1, NM_001425236.1); c.827T>C, p.Ile276Thr (NM_001425231.1); and 3 more; short protein forms I171T, I338T, I341T, I343T, I344T, I158T, I255T, I276T.
Identifiers: ClinVar variation 2901588 (VCV002901588.4), dbSNP rs1860183744, ClinGen allele CA382114608.